The following is an entry in ClinVar:

NM_000238.4(KCNH2):c.1181G>A (p.Arg394His)

Gene: KCNH2 (potassium voltage-gated channel subfamily H member 2; minus strand). Cytogenetic location: 7q36.1.
Variant type: single nucleotide variant.
Coding change: c.1181G>A on transcript NM_000238.4 (MANE Select); coding-DNA position 1181, G replaced by A.
Protein change: p.Arg394His; replaces arginine 394 with histidine.
Molecular consequence: missense variant.
Genome position (GRCh38, 1-based): chr7:150,952,801, C>T on the plus strand (G>A on the coding strand, the complement: KCNH2 is on the minus strand). VCF-style: chr7-150952801-C-T. GRCh37 (hg19) VCF-style: chr7-150649889-C-T.
Other names: c.161G>A, p.Arg54His (NM_001204798.2, NM_172057.3); c.893G>A, p.Arg298His (NM_001406753.1, NM_001406756.1); c.1004G>A, p.Arg335His (NM_001406755.1); c.881G>A, p.Arg294His (NM_001406757.1); c.1181G>A, p.Arg394His (NM_172056.3); short protein forms R54H, R394H, R298H, R335H, R294H.
Identifiers: ClinVar variation 565408 (VCV000565408.18), dbSNP rs781140785, ClinGen allele CA027318.

ClinVar aggregate classification (germline): Uncertain significance. Review status: criteria provided, multiple submitters, no conflicts (2 of 4 stars). 4 submissions from 4 submitters: Uncertain significance (4). Last evaluated 2025-03-15.

Conditions:
Long QT syndrome (LQTS). Identifiers: MedGen C0023976, MeSH D008133, MONDO:0002442. Disease mechanism: loss of function. Inheritance: Various modes of inheritance.
Cardiovascular phenotype. Identifiers: MedGen CN230736.
Cardiac arrhythmia. Also called: Cardiac rhythm disease; Arrhythmia. Identifiers: MedGen C0003811, MONDO:0007263, HP:0011675.

Allele frequency attached by ClinVar (database versions not stated): gnomAD exomes below 0.00001 and 0.00001; ExAC 0.00001; gnomAD 0.00004; TOPMed 0.00004.

Submissions (4):

Labcorp Genetics (formerly Invitae), Labcorp
Classification: Uncertain significance for Long QT syndrome. Last evaluated: 2025-03-15. Review status: criteria provided, single submitter. Criteria: Invitae Variant Classification Sherloc (09022015). Collection method: clinical testing. Allele origin: germline.
Comment: This sequence change replaces arginine, which is basic and polar, with histidine, which is basic and polar, at codon 394 of the KCNH2 protein (p.Arg394His). This variant is present in population databases (rs781140785, gnomAD 0.006%). This variant has not been reported in the literature in individuals affected with KCNH2-related conditions. ClinVar contains an entry for this variant (Variation ID: 565408). An algorithm developed to predict the effect of missense changes on protein structure and function (PolyPhen-2) suggests that this variant is likely to be disruptive. In summary, the available evidence is currently insufficient to determine the role of this variant in disease. Therefore, it has been classified as a Variant of Uncertain Significance.

Color Diagnostics, LLC DBA Color Health
Classification: Uncertain significance for Cardiac arrhythmia. Last evaluated: 2024-03-06. Review status: criteria provided, single submitter. Criteria: ACMG Guidelines, 2015. Collection method: clinical testing. Allele origin: germline.
Comment: This missense variant replaces arginine with histidine at codon 394 of the KCNH2 protein. Computational prediction suggests that this variant may have deleterious impact on protein structure and function (internally defined REVEL score threshold >= 0.7, PMID: 27666373). Splice site prediction tools suggest that this variant may not impact RNA splicing. To our knowledge, functional studies have not been performed for this variant. This variant has not been reported in individuals affected with cardiovascular disorders in the literature. This variant has been identified in 3/251274 chromosomes in the general population by the Genome Aggregation Database (gnomAD). The available evidence is insufficient to determine the role of this variant in disease conclusively. Therefore, this variant is classified as a Variant of Uncertain Significance.

All of Us Research Program, National Institutes of Health
Classification: Uncertain significance for Long QT syndrome. Last evaluated: 2024-03-05. Review status: criteria provided, single submitter. Criteria: ACMG Guidelines, 2015. Collection method: clinical testing. Allele origin: germline. Inheritance: Autosomal dominant inheritance. Observed: 1 variant allele, 1 heterozygote.
Comment: This missense variant replaces arginine with histidine at codon 394 of the KCNH2 protein. Computational prediction suggests that this variant may have deleterious impact on protein structure and function (internally defined REVEL score threshold >= 0.7, PMID: 27666373). Splice site prediction tools suggest that this variant may not impact RNA splicing. To our knowledge, functional studies have not been performed for this variant. This variant has not been reported in individuals affected with cardiovascular disorders in the literature. This variant has been identified in 3/251274 chromosomes in the general population by the Genome Aggregation Database (gnomAD). The available evidence is insufficient to determine the role of this variant in disease conclusively. Therefore, this variant is classified as a Variant of Uncertain Significance.

This study involves interpretation of variants in research participants for the purpose of population health screening. Participant phenotype was not available at the time of variant classification. Additional details can be found in publication PMID: 35346344, PMCID: PMC8962531

Ambry Genetics
Classification: Uncertain significance for Cardiovascular phenotype. Last evaluated: 2023-01-10. Review status: criteria provided, single submitter. Criteria: Ambry Variant Classification Scheme 2023. Collection method: clinical testing. Allele origin: germline.
Comment: The p.R394H variant (also known as c.1181G>A), located in coding exon 6 of the KCNH2 gene, results from a G to A substitution at nucleotide position 1181. The arginine at codon 394 is replaced by histidine, an amino acid with highly similar properties. This amino acid position is highly conserved in available vertebrate species. In addition, this alteration is predicted to be deleterious by in silico analysis. Since supporting evidence is limited at this time, the clinical significance of this alteration remains unclear.